The following is an entry in ClinVar:

NM_001386298.1(CIC):c.6291C>T (p.Pro2097=)

Gene: CIC (capicua transcriptional repressor; plus strand). Cytogenetic location: 19q13.2.
Variant type: single nucleotide variant.
Coding change: c.6291C>T on transcript NM_001386298.1 (MANE Select); coding-DNA position 6291, C replaced by T.
Protein change: p.Pro2097=; no amino-acid change (proline 2097 retained).
Molecular consequence: synonymous variant.
Genome position (GRCh38, 1-based): chr19:42,293,050, C>T. VCF-style: chr19-42293050-C-T. GRCh37 (hg19) VCF-style: chr19-42797202-C-T.
Other names: c.6291C>T, p.Pro2097= (NM_001304815.2, NM_001379482.1); c.6288C>T, p.Pro2096= (NM_001379480.1); c.3564C>T, p.Pro1188= (NM_001379484.1, NM_001379485.1, NM_015125.5).
Identifiers: ClinVar variation 715261 (VCV000715261.27), dbSNP rs144192481, ClinGen allele CA9472670.

ClinVar aggregate classification (germline): Benign/Likely benign. Review status: criteria provided, multiple submitters, no conflicts (2 of 4 stars). 2 submissions from 2 submitters: Benign (1); Likely benign (1). Last evaluated 2025-12-01.

Allele frequency attached by ClinVar (database versions not stated): 1000 Genomes Project 30x 0.00016; 1000 Genomes Project 0.00020; gnomAD exomes 0.00020 and 0.00022; ExAC 0.00022; ESP Exome Variant Server 0.00039; gnomAD 0.00058 and 0.00063; TOPMed 0.00059.
gnomAD v4.1: 405 of 1,612,840 alleles (0.025%); highest among the groups gnomAD compares: African/African-American, 0.17%; no homozygotes.

Submissions (2):

CeGaT Center for Human Genetics Tuebingen
Classification: Likely benign. Last evaluated: 2025-12-01. Review status: criteria provided, single submitter. Criteria: CeGaT Center For Human Genetics Tuebingen Variant Classification Criteria Version 2. Collection method: clinical testing. Allele origin: germline. Affected: yes. Observed: 2 variant alleles.
Comment: CIC: BP4, BP7

Labcorp Genetics (formerly Invitae), Labcorp
Classification: Benign. Last evaluated: 2018-07-23. Review status: criteria provided, single submitter. Criteria: Invitae Variant Classification Sherloc (09022015). Collection method: clinical testing. Allele origin: germline.